The following is an entry in ClinVar:

NM_000380.4(XPA):c.646C>T (p.Gln216Ter)

Gene: XPA (XPA, DNA damage recognition and repair factor; minus strand). Cytogenetic location: 9q22.33.
Variant type: single nucleotide variant.
Coding change: c.646C>T on transcript NM_000380.4 (MANE Select); coding-DNA position 646, C replaced by T.
Protein change: p.Gln216Ter; replaces glutamine 216 with a stop codon.
Molecular consequence: nonsense. On other transcripts: non-coding transcript variant (5).
Genome position (GRCh38, 1-based): chr9:97,684,950, G>A on the plus strand (C>T on the coding strand, the complement: XPA is on the minus strand). VCF-style: chr9-97684950-G-A. GRCh37 (hg19) VCF-style: chr9-100447232-G-A.
Other names: c.520C>T, p.Gln174Ter (NM_001354975.2); short protein forms Q216*, Q174*.
Identifiers: ClinVar variation 553816 (VCV000553816.13), dbSNP rs761978351, ClinGen allele CA5148772.

ClinVar aggregate classification (germline): Pathogenic/Likely pathogenic. Review status: criteria provided, multiple submitters, no conflicts (2 of 4 stars). 5 submissions from 5 submitters: Pathogenic (1); Likely pathogenic (3). 1 of the submissions does not count toward it. Last evaluated 2024-06-18.

Conditions:
Xeroderma pigmentosum group A (XPA). Also called: XPA-Related Xeroderma Pigmentosum; Xeroderma pigmentosum, complementation group A; XP, group A. Identifiers: Orphanet 910, MedGen C0268135, MONDO:0010210, OMIM 278700.

Allele frequency attached by ClinVar (database versions not stated): gnomAD exomes below 0.00001 and 0.00001; ExAC 0.00001; gnomAD 0.00002; TOPMed 0.00002.

Submissions (5):

Fulgent Genetics
Classification: Likely pathogenic for Xeroderma pigmentosum group A. Last evaluated: 2024-06-18. Review status: criteria provided, single submitter. Criteria: ACMG Guidelines, 2015. Collection method: clinical testing. Allele origin: germline.

Labcorp Genetics (formerly Invitae), Labcorp
Classification: Pathogenic. Last evaluated: 2023-11-17. Review status: criteria provided, single submitter. Criteria: Invitae Variant Classification Sherloc (09022015). Collection method: clinical testing. Allele origin: germline.
Comment: This sequence change creates a premature translational stop signal (p.Gln216*) in the XPA gene. While this is not anticipated to result in nonsense mediated decay, it is expected to disrupt the last 58 amino acid(s) of the XPA protein. This variant is present in population databases (rs761978351, gnomAD 0.008%). This variant has not been reported in the literature in individuals affected with XPA-related conditions. ClinVar contains an entry for this variant (Variation ID: 553816). This variant disrupts a region of the XPA protein in which other variant(s) (p.Arg258Tyrfs*5) have been determined to be pathogenic (PMID: 31478152). This suggests that this is a clinically significant region of the protein, and that variants that disrupt it are likely to be disease-causing. For these reasons, this variant has been classified as Pathogenic.

Baylor Genetics
Classification: Likely pathogenic for Xeroderma pigmentosum group A. Last evaluated: 2023-06-15. Review status: criteria provided, single submitter. Criteria: ACMG Guidelines, 2015. Collection method: clinical testing. Allele origin: unknown.

Laboratorio de Genetica e Diagnostico Molecular, Hospital Israelita Albert Einstein
Classification: Likely pathogenic for Xeroderma pigmentosum group A. Last evaluated: 2023-01-13. Review status: criteria provided, single submitter. Criteria: ACMG Guidelines, 2015. Collection method: clinical testing. Allele origin: germline. Affected: yes.
Comment: ACMG classification criteria: PVS1 strong, PM2 moderated

Counsyl
Classification: Likely pathogenic for Xeroderma pigmentosum group A. Last evaluated: 2017-09-08. Review status: no assertion criteria provided. Collection method: clinical testing. Allele origin: unknown. Not counted in ClinVar's aggregate classification.

Literature cited by the submitters: PubMed 31478152 (cited by Labcorp Genetics (formerly Invitae), Labcorp).